The following is an entry in ClinVar:

ClinVar aggregate classification (germline): Uncertain significance (1 of 4 stars; one submission).

Submission:

Ambry Genetics
Classification: Uncertain significance. Last evaluated: 2023-01-30. Review status: criteria provided, single submitter. Criteria: Ambry Variant Classification Scheme 2023. Collection method: clinical testing. Allele origin: germline.
Comment: The p.S1224N variant (also known as c.3671G>A), located in coding exon 16 of the POLQ gene, results from a G to A substitution at nucleotide position 3671. The serine at codon 1224 is replaced by asparagine, an amino acid with highly similar properties. This amino acid position is conserved. In addition, this alteration is predicted to be tolerated by in silico analysis. Since supporting evidence is limited at this time, the clinical significance of this alteration remains unclear.

NM_199420.4(POLQ):c.3671G>A (p.Ser1224Asn)

Gene: POLQ (DNA polymerase theta; minus strand). Cytogenetic location: 3q13.33.
Variant type: single nucleotide variant.
Coding change: c.3671G>A on transcript NM_199420.4 (MANE Select); coding-DNA position 3671, G replaced by A.
Protein change: p.Ser1224Asn; replaces serine 1224 with asparagine.
Molecular consequence: missense variant.
Genome position (GRCh38, 1-based): chr3:121,489,260, C>T on the plus strand (G>A on the coding strand, the complement: POLQ is on the minus strand). VCF-style: chr3-121489260-C-T. GRCh37 (hg19) VCF-style: chr3-121208107-C-T.
Other names: short protein forms S1224N.
Identifiers: ClinVar variation 2497201 (VCV002497201.2), dbSNP rs2546787102, ClinGen allele CA354098174.